The following is an entry in ClinVar:

NM_006269.2(RP1):c.1720_1721del (p.Ser574fs)

Gene: RP1 (RP1 axonemal microtubule associated; plus strand). Cytogenetic location: 8q12.1.
Variant type: Deletion.
Coding change: c.1720_1721del on transcript NM_006269.2 (MANE Select); coding-DNA positions 1720 to 1721, 2 bases deleted (TC; older notation c.1720_1721delTC).
Protein change: p.Ser574fs; shifts the reading frame from serine 574.
Molecular consequence: frameshift variant. On other transcripts: intron variant (1).
Genome position (GRCh38, 1-based): chr8:54,625,602-54,625,603, TC deleted; deleting any 2 consecutive bases within chr8:54,625,601-54,625,603 gives the same sequence; the c. name uses the placement nearest the transcript's 3' end. VCF-style (leftmost placement, unchanged base first): chr8-54625600-ACT-A. GRCh37 (hg19) VCF-style: chr8-55538160-ACT-A.
Other names: c.787+3314_787+3315del (NM_001375654.1); short protein forms S574fs.
Identifiers: ClinVar variation 1436096 (VCV001436096.6), dbSNP rs2129316266, ClinGen allele CA461098381.

ClinVar aggregate classification (germline): Pathogenic (1 of 4 stars; one submission).

Submission:

Labcorp Genetics (formerly Invitae), Labcorp
Classification: Pathogenic. Last evaluated: 2025-04-11. Review status: criteria provided, single submitter. Criteria: Invitae Variant Classification Sherloc (09022015). Collection method: clinical testing. Allele origin: germline.
Comment: This sequence change creates a premature translational stop signal (p.Ser574Asnfs*8) in the RP1 gene. While this is not anticipated to result in nonsense mediated decay, it is expected to disrupt the last 1583 amino acid(s) of the RP1 protein. This variant is not present in population databases (gnomAD no frequency). This premature translational stop signal has been observed in individual(s) with autosomal recessive retinitis pigmentosa (PMID: 33576794). ClinVar contains an entry for this variant (Variation ID: 1436096). This variant disrupts the C-terminus of the RP1 protein. Many variants that disrupt this region have been reported in individuals with either autosomal dominant or autosomal recessive retinitis pigmentosa (PMID: 11527933, 19933189, 29425069, 30027431, 33681214). Therefore, variants that disrupt this region are expected to be disease-causing. For these reasons, this variant has been classified as Pathogenic.

Literature cited by the submitters: PubMed 33576794; PubMed 11527933; PubMed 19933189; PubMed 29425069; PubMed 30027431; PubMed 33681214.